The following is an entry in ClinVar:

ClinVar aggregate classification (germline): Pathogenic (0 of 4 stars; one submission).

Conditions:
Alkaptonuria (AKU). Also called: Alkaptonuric ochronosis; Homogentisic acidura; Alcaptonuria; HOMOGENTISIC ACID OXIDASE DEFICIENCY. Identifiers: Orphanet 56, MedGen C0002066, MONDO:0008753, OMIM 203500.

Submission:

Department Of Human Genetics, Institute Of Clinical And Translational Research, Biomedical Research Center, Slovak Academy Of Sciences
Classification: Pathogenic for Alkaptonuria. Review status: no assertion criteria provided. Collection method: research. Allele origin: germline. Inheritance: Autosomal recessive inheritance. Affected: yes. Observed: 1 variant allele.
Comment: The variant was originally described in AKU patient in PMID:10205262. It has been submitted to the HGD gene mutation database (DB-ID: AKU_00030).

Literature cited by the submitters: PubMed 10205262.

NM_000187.4(HGD):c.365C>A (p.Ala122Asp)

Gene: HGD (homogentisate 1,2-dioxygenase; minus strand). Cytogenetic location: 3q13.33.
Variant type: single nucleotide variant.
Coding change: c.365C>A on transcript NM_000187.4 (MANE Select); coding-DNA position 365, C replaced by A.
Protein change: p.Ala122Asp; replaces alanine 122 with aspartic acid.
Molecular consequence: missense variant.
Genome position (GRCh38, 1-based): chr3:120,650,843, G>T on the plus strand (C>A on the coding strand, the complement: HGD is on the minus strand). VCF-style: chr3-120650843-G-T. GRCh37 (hg19) VCF-style: chr3-120369690-G-T.
Other names: short protein forms A122D.
Identifiers: ClinVar variation 2626835 (VCV002626835.1), dbSNP rs544956641, ClinGen allele CA354078118.